The following is an entry in ClinVar:

ClinVar aggregate classification (germline): Pathogenic (1 of 4 stars; one submission).

Conditions:
Neurofibromatosis, type 1 (NF1). Also called: Peripheral type neurofibromatosis; VON RECKLINGHAUSEN DISEASE; Neurofibromatosis, type I; NEUROFIBROMATOSIS, TYPE I, SOMATIC. Identifiers: Orphanet 636, MedGen C0027831, MONDO:0018975, OMIM 162200. Disease mechanism: loss of function.

Submission:

Labcorp Genetics (formerly Invitae), Labcorp
Classification: Pathogenic for Neurofibromatosis, type 1. Last evaluated: 2023-12-12. Review status: criteria provided, single submitter. Criteria: Invitae Variant Classification Sherloc (09022015). Collection method: clinical testing. Allele origin: germline.
Comment: This sequence change creates a premature translational stop signal (p.Phe1451Serfs*4) in the NF1 gene. It is expected to result in an absent or disrupted protein product. Loss-of-function variants in NF1 are known to be pathogenic (PMID: 10712197, 23913538). This variant is not present in population databases (gnomAD no frequency). This variant has not been reported in the literature in individuals affected with NF1-related conditions. For these reasons, this variant has been classified as Pathogenic.

Literature cited by the submitters: PubMed 10712197; PubMed 23913538.

NM_001042492.3(NF1):c.4414_4415insCACAACT (p.Phe1472fs)

Gene: NF1 (neurofibromin 1; plus strand). Cytogenetic location: 17q11.2.
Variant type: Insertion.
Coding change: c.4414_4415insCACAACT on transcript NM_001042492.3 (MANE Select); coding-DNA positions 4414 to 4415, CACAACT inserted.
Protein change: p.Phe1472fs; shifts the reading frame from phenylalanine 1472.
Molecular consequence: frameshift variant.
Genome position: GRCh38 VCF-style: chr17-31259108-G-GCAACTCA. GRCh37 (hg19) VCF-style: chr17-29586126-G-GCAACTCA.
Other names: c.4351_4352insCACAACT, p.Phe1451Serfs (NM_000267.4); short protein forms F1451fs, F1472fs.
Identifiers: ClinVar variation 2702366 (VCV002702366.3), dbSNP rs2508414176, ClinGen allele CA2697559743.
Genomic context (GRCh38, chr17:31,259,108, plus strand): 5'-CCAATCATGTTCTCTTCACAAAAGAAGAACATATGCGGCCTTTCAATGATTTTGTGAAAA[G>GCAACTCA]CAACTTTGATGCAGCACGCAGGTAATTTTCTTGCCACTTACTCAGTTGCTCTGTTTGAAT-3'